The following is an entry in ClinVar:

ClinVar aggregate classification (germline): Uncertain significance (1 of 4 stars; one submission).

Conditions:
Inborn genetic diseases. Identifiers: MedGen C0950123, MeSH D030342.

Submission:

Ambry Genetics
Classification: Uncertain significance for Inborn genetic diseases. Last evaluated: 2025-09-10. Review status: criteria provided, single submitter. Criteria: Ambry Variant Classification Scheme 2023. Collection method: clinical testing. Allele origin: germline.
Comment: The p.G87R variant (also known as c.259G>C), located in coding exon 1 of the WT1 gene, results from a G to C substitution at nucleotide position 259. The glycine at codon 87 is replaced by arginine, an amino acid with dissimilar properties. This amino acid position is conserved. In addition, this alteration is predicted to be tolerated by in silico analysis. Based on the available evidence, the clinical significance of this variant remains unclear.

NM_024426.6(WT1):c.274G>C (p.Gly92Arg)

Genes: WT1 (WT1 transcription factor; minus strand), LOC107982234 (WT1/WT1-AS bi-directional promoter region; plus strand). Cytogenetic location: 11p13.
Variant type: single nucleotide variant.
Coding change: c.274G>C on transcript NM_024426.6 (MANE Select); coding-DNA position 274, G replaced by C.
Protein change: p.Gly92Arg; replaces glycine 92 with arginine.
Molecular consequence: missense variant. On other transcripts: non-coding transcript variant (2).
Genome position (GRCh38, 1-based): chr11:32,435,087, C>G on the plus strand (G>C on the coding strand, the complement: WT1 is on the minus strand). VCF-style: chr11-32435087-C-G. GRCh37 (hg19) VCF-style: chr11-32456633-C-G.
Other names: c.274G>C, p.Gly92Arg (NM_000378.6, NM_001407044.1, NM_001407045.1 and 6 more transcripts); c.55G>C, p.Gly19Arg (NM_001429031.1, NM_001429032.1, NM_001429033.1 and 1 more transcripts); short protein forms G87R, G92R, G19R.
Identifiers: ClinVar variation 4202253 (VCV004202253.1).